The following is an entry in ClinVar:

NM_194248.3(OTOF):c.2755A>G (p.Ser919Gly)

Gene: OTOF (otoferlin; minus strand). Cytogenetic location: 2p23.3.
Variant type: single nucleotide variant.
Coding change: c.2755A>G on transcript NM_194248.3 (MANE Select); coding-DNA position 2755, A replaced by G.
Protein change: p.Ser919Gly; replaces serine 919 with glycine.
Molecular consequence: missense variant.
Genome position (GRCh38, 1-based): chr2:26,476,239, T>C on the plus strand (A>G on the coding strand, the complement: OTOF is on the minus strand). VCF-style: chr2-26476239-T-C. GRCh37 (hg19) VCF-style: chr2-26699107-T-C.
Other names: c.2755A>G, p.Ser919Gly (NM_001287489.2); c.514A>G, p.Ser172Gly (NM_004802.4, NM_194323.3); c.685A>G, p.Ser229Gly (NM_194322.3); short protein forms S172G, S229G, S919G.
Identifiers: ClinVar variation 4527483 (VCV004527483.1).

ClinVar aggregate classification (germline): Uncertain significance (1 of 4 stars; one submission).

gnomAD v4.1: 2 of 1,608,218 alleles (0.00012%); highest among the groups gnomAD compares: Non-Finnish European, 0.00017%; no homozygotes.

Submission:

GeneDx
Classification: Uncertain significance. Last evaluated: 2025-05-05. Review status: criteria provided, single submitter. Criteria: GeneDx Variant Classification Process June 2021. Collection method: clinical testing. Allele origin: germline. Affected: yes.
Comment: Not observed at significant frequency in large population cohorts (gnomAD); In silico analysis suggests that this missense variant does not alter protein structure/function; Has not been previously published as pathogenic or benign to our knowledge